The following is an entry in ClinVar:

ClinVar aggregate classification (germline): Conflicting classifications of pathogenicity. Review status: criteria provided, conflicting classifications (1 of 4 stars). 2 submissions from 2 submitters: Uncertain significance (1); Likely benign (1). Last evaluated 2025-01-11.

Conditions:
POLD1-related polyposis and colorectal cancer syndrome (CRCS10). Also called: Colorectal cancer 10; COLORECTAL CANCER, SUSCEPTIBILITY TO, ON CHROMOSOME 19q; Colorectal cancer, susceptibility to, 10. Identifiers: Orphanet 220460, MedGen C2675481, MONDO:0012953, OMIM 612591.
Hereditary cancer-predisposing syndrome. Also called: Neoplastic Syndromes, Hereditary; Hereditary neoplastic syndrome; Tumor predisposition; Hereditary Cancer Syndrome. Identifiers: Orphanet 140162, MedGen C0027672, MeSH D009386, MONDO:0015356.

Allele frequency attached by ClinVar (database versions not stated): gnomAD exomes 0.00001 and 0.00002; ExAC 0.00004.
gnomAD v4.1: 19 of 1,588,254 alleles (0.0012%); highest among the groups gnomAD compares: East Asian, 0.029%; no homozygotes.

Submissions (2):

Labcorp Genetics (formerly Invitae), Labcorp
Classification: Uncertain significance for POLD1-related polyposis and colorectal cancer syndrome. Last evaluated: 2025-01-11. Review status: criteria provided, single submitter. Criteria: Invitae Variant Classification Sherloc (09022015). Collection method: clinical testing. Allele origin: germline.
Comment: This sequence change affects codon 33 of the POLD1 mRNA. It is a 'silent' change, meaning that it does not change the encoded amino acid sequence of the POLD1 protein. This variant is present in population databases (rs751090809, gnomAD 0.008%). This variant has not been reported in the literature in individuals affected with POLD1-related conditions. ClinVar contains an entry for this variant (Variation ID: 469405). Algorithms developed to predict the effect of sequence changes on RNA splicing suggest that this variant may create or strengthen a splice site. In summary, the available evidence is currently insufficient to determine the role of this variant in disease. Therefore, it has been classified as a Variant of Uncertain Significance.

Ambry Genetics
Classification: Likely benign for Hereditary cancer-predisposing syndrome. Last evaluated: 2015-09-07. Review status: criteria provided, single submitter. Criteria: Ambry Variant Classification Scheme 2023. Collection method: clinical testing. Allele origin: germline.

NM_002691.4(POLD1):c.99A>G (p.Gln33=)

Gene: POLD1 (DNA polymerase delta 1, catalytic subunit; plus strand). Cytogenetic location: 19q13.33.
Variant type: single nucleotide variant.
Coding change: c.99A>G on transcript NM_002691.4 (MANE Select); coding-DNA position 99, A replaced by G.
Protein change: p.Gln33=; no amino-acid change (glutamine 33 retained).
Molecular consequence: synonymous variant. On other transcripts: non-coding transcript variant (1).
Genome position (GRCh38, 1-based): chr19:50,398,950, A>G. VCF-style: chr19-50398950-A-G. GRCh37 (hg19) VCF-style: chr19-50902207-A-G.
Other names: c.99A>G, p.Gln33= (NM_001256849.1, NM_001308632.1).
Identifiers: ClinVar variation 469405 (VCV000469405.12), dbSNP rs751090809, ClinGen allele CA9595615.